The following is an entry in ClinVar:

NM_004360.5(CDH1):c.748A>G (p.Ile250Val)

Gene: CDH1 (cadherin 1; plus strand). Cytogenetic location: 16q22.1.
Variant type: single nucleotide variant.
Coding change: c.748A>G on transcript NM_004360.5 (MANE Select); coding-DNA position 748, A replaced by G.
Protein change: p.Ile250Val; replaces isoleucine 250 with valine.
Molecular consequence: missense variant. On other transcripts: 5 prime UTR variant (2).
Genome position (GRCh38, 1-based): chr16:68,810,257, A>G. VCF-style: chr16-68810257-A-G. GRCh37 (hg19) VCF-style: chr16-68844160-A-G.
Other names: c.748A>G, p.Ile250Val (NM_001317184.2); c.-868A>G (NM_001317185.2); c.-1072A>G (NM_001317186.2); short protein forms I250V.
Identifiers: ClinVar variation 827077 (VCV000827077.15), dbSNP rs1597892398, ClinGen allele CA396458573.
Genomic context (GRCh38, chr16:68,810,257, plus strand): 5'-CTCTTCTCTCACGCTGTGTCATCCAACGGGAATGCAGTTGAGGATCCAATGGAGATTTTG[A>G]TCACGGTAACCGATCAGAATGACAACAAGCCCGAATTCACCCAGGAGGTCTTTAAGGGGT-3'
Protein context (NP_004351.1, residues 240-260): NAVEDPMEIL[Ile250Val]TVTDQNDNKP

ClinVar aggregate classification (germline): Conflicting classifications of pathogenicity. Review status: criteria provided, conflicting classifications (1 of 4 stars). 2 submissions from 2 submitters: Uncertain significance (1); Likely benign (1). Last evaluated 2026-06-22.

Conditions:
Hereditary cancer-predisposing syndrome. Also called: Tumor predisposition; Hereditary neoplastic syndrome; Neoplastic Syndromes, Hereditary; Hereditary Cancer Syndrome. Identifiers: Orphanet 140162, MedGen C0027672, MeSH D009386, MONDO:0015356.
Hereditary diffuse gastric adenocarcinoma (HDGC). Also called: DIFFUSE GASTRIC AND LOBULAR BREAST CANCER SYNDROME. Identifiers: Orphanet 26106, MedGen C1708349, MONDO:0007648, OMIM 137215.

gnomAD v4.1: 1 of 1,614,138 alleles (0.000062%); highest among the groups gnomAD compares: East Asian, 0.0022%; no homozygotes.

Submissions (2):

Ambry Genetics
Classification: Likely benign for Hereditary cancer-predisposing syndrome. Last evaluated: 2026-06-22. Review status: criteria provided, single submitter. Criteria: Ambry Variant Classification Scheme 2023. Collection method: clinical testing. Allele origin: germline.

Labcorp Genetics (formerly Invitae), Labcorp
Classification: Uncertain significance for Hereditary diffuse gastric adenocarcinoma. Last evaluated: 2019-02-10. Review status: criteria provided, single submitter. Criteria: Invitae Variant Classification Sherloc (09022015). Collection method: clinical testing. Allele origin: germline.
Comment: This variant is not present in population databases (ExAC no frequency). In summary, the available evidence is currently insufficient to determine the role of this variant in disease. Therefore, it has been classified as a Variant of Uncertain Significance. Algorithms developed to predict the effect of missense changes on protein structure and function output the following: SIFT: "Tolerated"; PolyPhen-2: "Benign"; Align-GVGD: "Class C0". The valine amino acid residue is found in multiple mammalian species, suggesting that this missense change does not adversely affect protein function. These predictions have not been confirmed by published functional studies and their clinical significance is uncertain. This variant has not been reported in the literature in individuals with CDH1-related conditions. This sequence change replaces isoleucine with valine at codon 250 of the CDH1 protein (p.Ile250Val). The isoleucine residue is moderately conserved and there is a small physicochemical difference between isoleucine and valine.